The following is an entry in ClinVar:

ClinVar aggregate classification (germline): Uncertain significance (1 of 4 stars; one submission).

Conditions:
FAT1-related disorder. Also called: FAT1-related condition.

gnomAD v4.1: 42 of 1,612,432 alleles (0.0026%); highest among the groups gnomAD compares: South Asian, 0.043%; no homozygotes.

Submission:

PreventionGenetics, part of Exact Sciences
Classification: Uncertain significance for FAT1-related condition. Last evaluated: 2026-05-05. Review status: criteria provided, single submitter. Criteria: ACMG Guidelines, 2015. Collection method: clinical testing. Allele origin: germline.
Comment: The FAT1 c.12367A>G variant is predicted to result in the amino acid substitution p.Arg4123Gly. To our knowledge, this variant has not been reported in the literature. This variant is reported in 0.043% of alleles in individuals of South Asian descent in gnomAD. Of note, this nucleotide change occurs at the penultimate base of exon 24 and is predicted to alter splicing (weaken the donor site signal) based on available splicing prediction programs (Alamut Visual Plus v1.13; SpliceAI, Jaganathan et al. 2019. PubMed ID: 30661751). However, the use of computer prediction programs is not equivalent to functional evidence. At this time, the clinical significance of this variant is uncertain due to the absence of conclusive functional and genetic evidence.

NM_005245.4(FAT1):c.12367A>G (p.Arg4123Gly)

Gene: FAT1 (FAT atypical cadherin 1; minus strand). Cytogenetic location: 4q35.2.
Variant type: single nucleotide variant.
Coding change: c.12367A>G on transcript NM_005245.4 (MANE Select); coding-DNA position 12367, A replaced by G.
Protein change: p.Arg4123Gly; replaces arginine 4123 with glycine.
Molecular consequence: missense variant.
Genome position (GRCh38, 1-based): chr4:186,597,683, T>C on the plus strand (A>G on the coding strand, the complement: FAT1 is on the minus strand). VCF-style: chr4-186597683-T-C. GRCh37 (hg19) VCF-style: chr4-187518837-T-C.
Other names: c.12367A>G, p.Arg4123Gly (NM_001440455.1, NM_001440456.1, NM_001440457.1); short protein forms R4123G.
Identifiers: ClinVar variation 4987288 (VCV004987288.1).